The following is an entry in ClinVar:

ClinVar aggregate classification (germline): Uncertain significance (1 of 4 stars; one submission).

Conditions:
Kleefstra syndrome 1 (KLEFS1). Identifiers: Orphanet 261494, MedGen C0795833, MONDO:0027407, OMIM 610253.

Submission:

Labcorp Genetics (formerly Invitae), Labcorp
Classification: Uncertain significance for Kleefstra syndrome 1. Last evaluated: 2025-01-06. Review status: criteria provided, single submitter. Criteria: Invitae Variant Classification Sherloc (09022015). Collection method: clinical testing. Allele origin: germline.
Comment: This sequence change replaces proline, which is neutral and non-polar, with serine, which is neutral and polar, at codon 1035 of the EHMT1 protein (p.Pro1035Ser). This variant is not present in population databases (gnomAD no frequency). This variant has not been reported in the literature in individuals affected with EHMT1-related conditions. Invitae Evidence Modeling of protein sequence and biophysical properties (such as structural, functional, and spatial information, amino acid conservation, physicochemical variation, residue mobility, and thermodynamic stability) indicates that this missense variant is expected to disrupt EHMT1 protein function with a positive predictive value of 80%. In summary, the available evidence is currently insufficient to determine the role of this variant in disease. Therefore, it has been classified as a Variant of Uncertain Significance.

NM_024757.5(EHMT1):c.3103C>T (p.Pro1035Ser)

Gene: EHMT1 (euchromatic histone lysine methyltransferase 1; plus strand). Cytogenetic location: 9q34.3.
Variant type: single nucleotide variant.
Coding change: c.3103C>T on transcript NM_024757.5 (MANE Select); coding-DNA position 3103, C replaced by T.
Protein change: p.Pro1035Ser; replaces proline 1035 with serine.
Molecular consequence: missense variant.
Genome position (GRCh38, 1-based): chr9:137,813,453, C>T. VCF-style: chr9-137813453-C-T. GRCh37 (hg19) VCF-style: chr9-140707905-C-T.
Other names: c.3082C>T, p.Pro1028Ser (NM_001354263.2); short protein forms P1028S, P1035S.
Identifiers: ClinVar variation 3667077 (VCV003667077.2).